The following is an entry in ClinVar:

NM_005529.7(HSPG2):c.4681G>A (p.Glu1561Lys)

Gene: HSPG2 (heparan sulfate proteoglycan 2; minus strand). Cytogenetic location: 1p36.12.
Variant type: single nucleotide variant.
Coding change: c.4681G>A on transcript NM_005529.7 (MANE Select); coding-DNA position 4681, G replaced by A.
Protein change: p.Glu1561Lys; replaces glutamic acid 1561 with lysine.
Molecular consequence: missense variant.
Genome position (GRCh38, 1-based): chr1:21,864,159, C>T on the plus strand (G>A on the coding strand, the complement: HSPG2 is on the minus strand). VCF-style: chr1-21864159-C-T. GRCh37 (hg19) VCF-style: chr1-22190652-C-T.
Other names: c.4684G>A, p.Glu1562Lys (NM_001291860.2); short protein forms E1561K, E1562K.
Identifiers: ClinVar variation 295840 (VCV000295840.16), dbSNP rs372608187, ClinGen allele CA672192.

ClinVar aggregate classification (germline): Uncertain significance. Review status: criteria provided, multiple submitters, no conflicts (2 of 4 stars). 6 submissions from 5 submitters: Uncertain significance (6). Last evaluated 2025-09-16.

Conditions:
Lethal Kniest-like syndrome (DDSH). Also called: Dyssegmental Dysplasia. Identifiers: Orphanet 1865, MedGen C1857100, MONDO:0009140, OMIM 224410.
Schwartz-Jampel syndrome. Also called: Myotonic myopathy dwarfism chondrodystrophy and ocular and facial abnormalities. Identifiers: Orphanet 800, MedGen C0036391, MONDO:0009717.
Inborn genetic diseases. Identifiers: MedGen C0950123, MeSH D030342.

Allele frequency attached by ClinVar (database versions not stated): ESP Exome Variant Server 0.00008; gnomAD exomes 0.00008 and 0.00009; TOPMed 0.00008; gnomAD 0.00010 and 0.00011; ExAC 0.00033.
gnomAD v4.1: 126 of 1,556,188 alleles (0.0081%); highest among the groups gnomAD compares: South Asian, 0.027%; no homozygotes.

Submissions (6):

Labcorp Genetics (formerly Invitae), Labcorp
Classification: Uncertain significance. Last evaluated: 2025-09-16. Review status: criteria provided, single submitter. Criteria: Invitae Variant Classification Sherloc (09022015). Collection method: clinical testing. Allele origin: germline.
Comment: This sequence change replaces glutamic acid, which is acidic and polar, with lysine, which is basic and polar, at codon 1561 of the HSPG2 protein (p.Glu1561Lys). This variant is present in population databases (rs372608187, gnomAD 0.05%). This variant has not been reported in the literature in individuals affected with HSPG2-related conditions. ClinVar contains an entry for this variant (Variation ID: 295840). An algorithm developed to predict the effect of missense changes on protein structure and function (PolyPhen-2) suggests that this variant is likely to be disruptive. In summary, the available evidence is currently insufficient to determine the role of this variant in disease. Therefore, it has been classified as a Variant of Uncertain Significance.

Ambry Genetics
Classification: Uncertain significance for Inborn genetic diseases. Last evaluated: 2024-07-02. Review status: criteria provided, single submitter. Criteria: Ambry Variant Classification Scheme 2023. Collection method: clinical testing. Allele origin: germline.

GeneDx
Classification: Uncertain significance. Last evaluated: 2021-03-18. Review status: criteria provided, single submitter. Criteria: GeneDx Variant Classification Process June 2021. Collection method: clinical testing. Allele origin: germline. Affected: yes.
Comment: In silico analysis supports that this missense variant does not alter protein structure/function; Has not been previously published as pathogenic or benign to our knowledge

Revvity Omics, Revvity
Classification: Uncertain significance. Last evaluated: 2020-02-12. Review status: criteria provided, single submitter. Criteria: ACMG Guidelines, 2015. Collection method: clinical testing. Allele origin: germline.

Illumina Laboratory Services, Illumina
Classification: Uncertain significance for Schwartz-Jampel syndrome type 1. Last evaluated: 2018-01-12. Review status: criteria provided, single submitter. Criteria: ICSL Variant Classification Criteria 13 December 2019. Collection method: clinical testing. Allele origin: germline.

Illumina Laboratory Services, Illumina
Classification: Uncertain significance for Lethal Kniest-like syndrome. Last evaluated: 2018-01-12. Review status: criteria provided, single submitter. Criteria: ICSL Variant Classification Criteria 13 December 2019. Collection method: clinical testing. Allele origin: germline.